The following is an entry in ClinVar:

ClinVar aggregate classification (germline): Uncertain significance (1 of 4 stars; one submission).

Conditions:
Hereditary spastic paraplegia 7 (SPG7). Also called: SPG7-related neurologic disorder; Autosomal recessive spastic paraplegia type 7; Spastic paraplegia 7; Hereditary spastic paraplegia Paraplegin type; SPASTIC PARAPLEGIA 7, AUTOSOMAL RECESSIVE, WITH OR WITHOUT CEREBELLAR ATAXIA. Identifiers: Orphanet 99013, MedGen C1846564, MONDO:0011803, OMIM 607259.

Allele frequency attached by ClinVar (database versions not stated): gnomAD exomes below 0.00001.
gnomAD v4.1: 1 of 1,613,880 alleles (0.000062%); highest among the groups gnomAD compares: Non-Finnish European, 0.000085%; no homozygotes.

Submission:

Labcorp Genetics (formerly Invitae), Labcorp
Classification: Uncertain significance for Hereditary spastic paraplegia 7. Last evaluated: 2024-10-21. Review status: criteria provided, single submitter. Criteria: Invitae Variant Classification Sherloc (09022015). Collection method: clinical testing. Allele origin: germline.
Comment: This sequence change replaces valine, which is neutral and non-polar, with isoleucine, which is neutral and non-polar, at codon 147 of the SPG7 protein (p.Val147Ile). This variant is not present in population databases (gnomAD no frequency). This variant has not been reported in the literature in individuals affected with SPG7-related conditions. ClinVar contains an entry for this variant (Variation ID: 2004095). Invitae Evidence Modeling of protein sequence and biophysical properties (such as structural, functional, and spatial information, amino acid conservation, physicochemical variation, residue mobility, and thermodynamic stability) indicates that this missense variant is not expected to disrupt SPG7 protein function with a negative predictive value of 80%. In summary, the available evidence is currently insufficient to determine the role of this variant in disease. Therefore, it has been classified as a Variant of Uncertain Significance.

NM_003119.4(SPG7):c.439G>A (p.Val147Ile)

Gene: SPG7 (SPG7 matrix AAA peptidase subunit, paraplegin; plus strand). Cytogenetic location: 16q24.3.
Variant type: single nucleotide variant.
Coding change: c.439G>A on transcript NM_003119.4 (MANE Select); coding-DNA position 439, G replaced by A.
Protein change: p.Val147Ile; replaces valine 147 with isoleucine.
Molecular consequence: missense variant.
Genome position (GRCh38, 1-based): chr16:89,524,068, G>A. VCF-style: chr16-89524068-G-A. GRCh37 (hg19) VCF-style: chr16-89590476-G-A.
Other names: c.439G>A, p.Val147Ile (NM_001363850.1, NM_199367.3); short protein forms V147I.
Identifiers: ClinVar variation 2004095 (VCV002004095.4), dbSNP rs2543723634, ClinGen allele CA397417292.